The following is an entry in ClinVar:

ClinVar aggregate classification (germline): Benign/Likely benign. Review status: criteria provided, multiple submitters, no conflicts (2 of 4 stars). 10 submissions from 10 submitters: Benign (4); Likely benign (6). Last evaluated 2026-08-01.

Conditions:
Inborn genetic diseases. Identifiers: MedGen C0950123, MeSH D030342.
Progressive sclerosing poliodystrophy (MTDPS4A). Also called: Alpers-Huttenlocher Syndrome (AHS); NEURONAL DEGENERATION OF CHILDHOOD WITH LIVER DISEASE, PROGRESSIVE; ALPERS PROGRESSIVE INFANTILE POLIODYSTROPHY; Alpers Syndrome; Alpers-Huttenlocher Syndrome; ALPERS DIFFUSE DEGENERATION OF CEREBRAL GRAY MATTER WITH HEPATIC CIRRHOSIS. Identifiers: Orphanet 726, MedGen C0205710, MONDO:0008758, OMIM 203700.

Allele frequency attached by ClinVar (database versions not stated): gnomAD 0.00315 and 0.00345; 1000 Genomes Project 0.00319; 1000 Genomes Project 30x 0.00359; ESP Exome Variant Server 0.00362; TOPMed 0.00391.
gnomAD v4.1: 952 of 1,612,140 alleles (0.059%); highest among the groups gnomAD compares: African/African-American, 1.1%; 6 homozygotes.

Submissions (10):

CeGaT Center for Human Genetics Tuebingen
Classification: Likely benign. Last evaluated: 2026-08-01. Review status: criteria provided, single submitter. Criteria: CeGaT Center For Human Genetics Tuebingen Variant Classification Criteria Version 2. Collection method: clinical testing. Allele origin: germline. Affected: yes. Observed: 2 variant alleles.
Comment: POLG: BP4, BP7, BS1

Labcorp Genetics (formerly Invitae), Labcorp
Classification: Benign for Progressive sclerosing poliodystrophy. Last evaluated: 2026-02-04. Review status: criteria provided, single submitter. Criteria: Invitae Variant Classification Sherloc (09022015). Collection method: clinical testing. Allele origin: germline.

Mayo Clinic Laboratories, Mayo Clinic
Classification: Likely benign. Last evaluated: 2025-09-04. Review status: criteria provided, single submitter. Criteria: ACMG Guidelines, 2015. Collection method: clinical testing. Allele origin: germline. Observed: 15 variant alleles.
Comment: BS1, BP4, BP7

Blueprint Genetics
Classification: Likely benign. Last evaluated: 2024-10-22. Review status: criteria provided, single submitter. Criteria: ACMG Guidelines, 2015. Collection method: clinical testing. Allele origin: germline.

Wong Mito Lab, Molecular and Human Genetics, Baylor College of Medicine
Classification: Benign for Progressive sclerosing poliodystrophy. Last evaluated: 2018-10-01. Review status: criteria provided, single submitter. Criteria: ACMG Guidelines, 2015. Collection method: clinical testing. Allele origin: germline.
Comment: The NM_002693.2:c.852C>T (NP_002684.1:p.Ile284=) [GRCH38: NC_000015.10:g.89330084G>A] variant in POLG gene is interpretated to be a Benign based on ACMG guidelines (PMID: 25741868). This variant meets the following evidence codes reported in the ACMG-guideline. BS1:The minor allele frequency of this allele is high for Mitochondrial DNA depletion syndrome 4A (Alpers type). BS2:Observation of the variant in controls is inconsistent with penetrance of Mitochondrial DNA depletion syndrome 4A (Alpers type). Based on the evidence criteria codes applied, the variant is suggested to be Benign.

Athena Diagnostics
Classification: Benign. Last evaluated: 2017-07-17. Review status: criteria provided, single submitter. Criteria: Athena Diagnostics Criteria. Collection method: clinical testing. Allele origin: germline.

Ambry Genetics
Classification: Likely benign for Inborn genetic diseases. Last evaluated: 2016-06-27. Review status: criteria provided, single submitter. Criteria: Ambry Variant Classification Scheme 2023. Collection method: clinical testing. Allele origin: germline.

GeneDx
Classification: Benign. Last evaluated: 2013-11-05. Review status: criteria provided, single submitter. Criteria: GeneDx Variant Classification (06012015). Collection method: clinical testing. Allele origin: germline. Affected: yes.
Comment: This variant is considered likely benign or benign based on one or more of the following criteria: it is a conservative change, it occurs at a poorly conserved position in the protein, it is predicted to be benign by multiple in silico algorithms, and/or has population frequency not consistent with disease.

Breakthrough Genomics
Classification: Likely benign. Review status: criteria provided, single submitter. Criteria: ACMG Guidelines, 2015. Collection method: not provided. Allele origin: germline. Inheritance: Autosomal recessive inheritance. Affected: yes.

PreventionGenetics, part of Exact Sciences
Classification: Likely benign. Review status: criteria provided, single submitter. Criteria: ACMG Guidelines, 2015. Collection method: clinical testing. Allele origin: germline.

NM_002693.3(POLG):c.852C>T (p.Ile284=)

Gene: POLG (DNA polymerase gamma, catalytic subunit; minus strand). Cytogenetic location: 15q26.1.
Variant type: single nucleotide variant.
Coding change: c.852C>T on transcript NM_002693.3 (MANE Select); coding-DNA position 852, C replaced by T.
Protein change: p.Ile284=; no amino-acid change (isoleucine 284 retained).
Molecular consequence: synonymous variant.
Genome position (GRCh38, 1-based): chr15:89,330,084, G>A on the plus strand (C>T on the coding strand, the complement: POLG is on the minus strand). VCF-style: chr15-89330084-G-A. GRCh37 (hg19) VCF-style: chr15-89873315-G-A.
Other names: p.I284I:ATC>ATT; p.Ile284=; c.852C>T, p.Ile284= (NM_001126131.2).
Identifiers: ClinVar variation 138770 (VCV000138770.22), dbSNP rs41540414, ClinGen allele CA292861.
Genomic context (GRCh38, chr15:89,330,084, plus strand): 5'-ATTAGGGCTCCTGGCCCATCCCATGCCAGAACCTGCAGTTGGCCCCAGGAACCTTACCTG[G>A]ATCAGGTACTGCTCCCTGATATGAGCTCGGTCAAAGGAAACATTGTGCCCCACCACTAAC-3'
Protein context (NP_002684.1, residues 274-294): DRAHIREQYL[Ile284=]QGSRMRFLDT